The following is an entry in ClinVar:

NM_000492.4(CFTR):c.3084G>T (p.Met1028Ile)

Genes: CFTR (CF transmembrane conductance regulator; plus strand), CFTR-AS2 (CFTR antisense RNA 2; minus strand), LOC111674472 (DNase I hypersensitive sites in introns 16 and 17a of CFTR; plus strand). Cytogenetic location: 7q31.2.
Variant type: single nucleotide variant.
Coding change: c.3084G>T on transcript NM_000492.4 (MANE Select); coding-DNA position 3084, G replaced by T.
Protein change: p.Met1028Ile; replaces methionine 1028 with isoleucine.
Molecular consequence: missense variant.
Genome position (GRCh38, 1-based): chr7:117,610,614, G>T. VCF-style: chr7-117610614-G-T. GRCh37 (hg19) VCF-style: chr7-117250668-G-T.
Other names: short protein forms M1028I.
Identifiers: ClinVar variation 53648 (VCV000053648.2), dbSNP rs200553511, ClinGen allele CA327040.

ClinVar aggregate classification (germline): Uncertain significance. Review status: criteria provided, single submitter (1 of 4 stars). 2 submissions from 2 submitters: Uncertain significance (1). 1 of the submissions does not count toward it. Last evaluated 2025-07-16.

Conditions:
Cystic fibrosis (CF). Also called: MUCOVISCIDOSIS. Identifiers: Orphanet 586, MedGen C0010674, MONDO:0009061, OMIM 219700. Disease mechanism: loss of function.

Submissions (2):

Women's Health and Genetics/Laboratory Corporation of America, LabCorp
Classification: Uncertain significance. Last evaluated: 2025-07-16. Review status: criteria provided, single submitter. Criteria: LabCorp Variant Classification Summary - May 2015. Collection method: clinical testing. Allele origin: germline.
Comment: Variant summary: CFTR c.3084G>T (p.Met1028Ile) results in a conservative amino acid change in the encoded protein sequence. Algorithms developed to predict the effect of missense changes on protein structure and function all suggest that this variant is likely to be tolerated. The variant was absent in 250970 control chromosomes. The available data on variant occurrences in the general population are insufficient to allow any conclusion about variant significance. c.3084G>T has been observed in the heterozygous state in at least one individual affected with Cystic Fibrosis (Onay_1998). These report(s) do not provide unequivocal conclusions about association of the variant with Cystic Fibrosis. To our knowledge, no experimental evidence demonstrating an impact on protein function has been reported. The following publication have been ascertained in the context of this evaluation (PMID: 9521595). ClinVar contains an entry for this variant (Variation ID: 53648). Based on the evidence outlined above, the variant was classified as uncertain significance.

ClinVar Staff, National Center for Biotechnology Information (NCBI)
No classification provided. Condition: CFTR-related disorders. Review status: no classification provided. Collection method: literature only. Allele origin: germline. Affected: yes. Not counted in ClinVar's aggregate classification.

Literature cited by the submitters: PubMed 9521595 (cited by Women's Health and Genetics/Laboratory Corporation of America, LabCorp); PubMed 11446424 (cited by ClinVar Staff, National Center for Biotechnology Information (NCBI)).